The following is an entry in ClinVar:

ClinVar aggregate classification (germline): Uncertain significance (1 of 4 stars; one submission).

Conditions:
Developmental and epileptic encephalopathy, 1 (DEE1). Also called: X-linked infantile spasms; West's syndrome; Tonic spasms with clustering, arrest of psychomotor development and hypsarrhythmia on EEG; X-Linked Infantile Spasm Syndrome; OHTAHARA SYNDROME, X-LINKED; INFANTILE SPASM SYNDROME, X-LINKED 1. Identifiers: MedGen C3463992, MONDO:0010632, OMIM 308350. Disease mechanism: loss of function.
Autosomal recessive spinocerebellar ataxia 12. Also called: SPINOCEREBELLAR ATAXIA WITH MENTAL RETARDATION AND EPILEPSY. Identifiers: Orphanet 284282, MedGen C3280452, MONDO:0013687, OMIM 614322.

Allele frequency attached by ClinVar (database versions not stated): gnomAD exomes below 0.00001.
gnomAD v4.1: 2 of 1,614,210 alleles (0.00012%); highest among the groups gnomAD compares: Non-Finnish European, 0.00017%; no homozygotes.

Submission:

Labcorp Genetics (formerly Invitae), Labcorp
Classification: Uncertain significance for Developmental and epileptic encephalopathy, 1; Autosomal recessive spinocerebellar ataxia 12. Last evaluated: 2022-06-22. Review status: criteria provided, single submitter. Criteria: Invitae Variant Classification Sherloc (09022015). Collection method: clinical testing. Allele origin: germline.
Comment: In summary, the available evidence is currently insufficient to determine the role of this variant in disease. Therefore, it has been classified as a Variant of Uncertain Significance. Algorithms developed to predict the effect of missense changes on protein structure and function are either unavailable or do not agree on the potential impact of this missense change (SIFT: "Not Available"; PolyPhen-2: "Probably Damaging"; Align-GVGD: "Not Available"). This sequence change replaces threonine, which is neutral and polar, with serine, which is neutral and polar, at codon 130 of the WWOX protein (p.Thr130Ser). This variant has not been reported in the literature in individuals affected with WWOX-related conditions. This variant is not present in population databases (gnomAD no frequency).

NM_016373.4(WWOX):c.389C>G (p.Thr130Ser)

Gene: WWOX (WW domain containing oxidoreductase; plus strand). Cytogenetic location: 16q23.1.
Variant type: single nucleotide variant.
Coding change: c.389C>G on transcript NM_016373.4 (MANE Select); coding-DNA position 389, C replaced by G.
Protein change: p.Thr130Ser; replaces threonine 130 with serine.
Molecular consequence: missense variant. On other transcripts: non-coding transcript variant (1).
Genome position (GRCh38, 1-based): chr16:78,115,134, C>G. VCF-style: chr16-78115134-C-G. GRCh37 (hg19) VCF-style: chr16-78149031-C-G.
Other names: c.50C>G, p.Thr17Ser (NM_001291997.2); c.389C>G, p.Thr130Ser (NM_130791.5); short protein forms T17S, T130S.
Identifiers: ClinVar variation 2009168 (VCV002009168.4), dbSNP rs1184195820, ClinGen allele CA396842603.
Genomic context (GRCh38, chr16:78,115,134, plus strand): 5'-GCACCACTGCCATGGAAATTCTCCAGGGCCGGGATTTCACTGGCAAAGTGGTTGTGGTCA[C>G]TGGAGCTAATTCAGGAATAGGTAGGCTCTTCACTTAGTTATTTATCTTTGGGACTGCTAT-3'
Protein context (NP_057457.1, residues 120-140): RDFTGKVVVV[Thr130Ser]GANSGIGFET